The following is an entry in ClinVar:

NM_000368.5(TSC1):c.*2628G>C

Gene: TSC1 (TSC complex subunit 1; minus strand). Cytogenetic location: 9q34.13.
Variant type: single nucleotide variant.
Coding change: c.*2628G>C on transcript NM_000368.5 (MANE Select); 2628 bases downstream of the stop codon, G replaced by C.
Molecular consequence: 3 prime UTR variant.
Genome position (GRCh38, 1-based): chr9:132,893,607, C>G on the plus strand (G>C on the coding strand, the complement: TSC1 is on the minus strand). VCF-style: chr9-132893607-C-G. GRCh37 (hg19) VCF-style: chr9-135768994-C-G.
Other names: c.*2628G>C (NM_001162426.2, NM_001162427.2, NM_001362177.2).
Identifiers: ClinVar variation 914350 (VCV000914350.4), dbSNP rs189852768, ClinGen allele CA200923754.
Genomic context (GRCh38, chr9:132,893,607, plus strand): 5'-ACCTTTTTAAAGGAATTCCATGCTGCACAGCAGCAGACTTCGGGCTCCTCGGGGCCTGTG[C>G]TGACTCTGGTTAGTGTCAGGTGGGGATCCGAGTAGGTTATGCACATTGGCCAAACAGCTG-3'

ClinVar aggregate classification (germline): Benign. Review status: criteria provided, single submitter (1 of 4 stars). 2 submissions from 1 submitter: Benign (2). Last evaluated 2018-01-12.

Conditions:
Tuberous sclerosis 1 (TSC1). Identifiers: Orphanet 805, MedGen C1854465, MONDO:0008612, OMIM 191100.
Isolated focal cortical dysplasia type II (FCORD2). Also called: CORTICAL DYSPLASIA OF TAYLOR; Focal cortical dysplasia type II. Identifiers: Orphanet 268994, MedGen C1846385, MONDO:0011818, OMIM 607341, HP:0032051.

Allele frequency attached by ClinVar (database versions not stated): gnomAD exomes 0.00018; 1000 Genomes Project 0.00060; gnomAD 0.00023 and 0.00024; TOPMed 0.00030; 1000 Genomes Project 30x 0.00047.
gnomAD v4.1: 48 of 233,200 alleles (0.021%); highest among the groups gnomAD compares: Admixed American, 0.056%; no homozygotes.

Submissions (2):

Illumina Laboratory Services, Illumina
Classification: Benign for Tuberous sclerosis 1. Last evaluated: 2018-01-12. Review status: criteria provided, single submitter. Criteria: ICSL Variant Classification Criteria 13 December 2019. Collection method: clinical testing. Allele origin: germline.
Comment: This variant was observed in the ICSL laboratory as part of a predisposition screen in an ostensibly healthy population. It had not been previously curated by ICSL or reported in the Human Gene Mutation Database (HGMD: prior to June 1st, 2018), and was therefore a candidate for classification through an automated scoring system. Utilizing variant allele frequency, disease prevalence and penetrance estimates, and inheritance mode, an automated score was calculated to assess if this variant is too frequent to cause the disease. Based on the score and internal cut-off values, a variant classified as benign is not then subjected to further curation. The score for this variant resulted in a classification of benign for this disease.

Illumina Laboratory Services, Illumina
Classification: Benign for Isolated focal cortical dysplasia type II. Last evaluated: 2018-01-12. Review status: criteria provided, single submitter. Criteria: ICSL Variant Classification Criteria 13 December 2019. Collection method: clinical testing. Allele origin: germline.
Comment: the same text as in the submission from Illumina Laboratory Services, Illumina above.